The following is an entry in ClinVar:

NM_080680.3(COL11A2):c.419G>A (p.Arg140Gln)

Gene: COL11A2 (collagen type XI alpha 2 chain; minus strand). Cytogenetic location: 6p21.32.
Variant type: single nucleotide variant.
Coding change: c.419G>A on transcript NM_080680.3 (MANE Select); coding-DNA position 419, G replaced by A.
Protein change: p.Arg140Gln; replaces arginine 140 with glutamine.
Molecular consequence: missense variant.
Genome position (GRCh38, 1-based): chr6:33,189,002, C>T on the plus strand (G>A on the coding strand, the complement: COL11A2 is on the minus strand). VCF-style: chr6-33189002-C-T. GRCh37 (hg19) VCF-style: chr6-33156779-C-T.
Other names: c.419G>A, p.Arg140Gln (NM_001163771.2, NM_080679.3, NM_080681.3); c.419G>A (NM_080680.2); short protein forms R140Q.
Identifiers: ClinVar variation 2186503 (VCV002186503.5), dbSNP rs1194615486, ClinGen allele CA363612235.

ClinVar aggregate classification (germline): Uncertain significance. Review status: criteria provided, multiple submitters, no conflicts (2 of 4 stars). 2 submissions from 2 submitters: Uncertain significance (2). Last evaluated 2025-05-14.

Conditions:
COL11A2-related disorder. Also called: COL11A2-related condition; COL11A2-related disorders.

Allele frequency attached by ClinVar (database versions not stated): TOPMed 0.00001; gnomAD exomes 0.00002.

Submissions (2):

Labcorp Genetics (formerly Invitae), Labcorp
Classification: Uncertain significance. Last evaluated: 2025-05-14. Review status: criteria provided, single submitter. Criteria: Invitae Variant Classification Sherloc (09022015). Collection method: clinical testing. Allele origin: germline.
Comment: This sequence change replaces arginine, which is basic and polar, with glutamine, which is neutral and polar, at codon 140 of the COL11A2 protein (p.Arg140Gln). This variant is not present in population databases (gnomAD no frequency). This variant has not been reported in the literature in individuals affected with COL11A2-related conditions. ClinVar contains an entry for this variant (Variation ID: 2186503). Invitae Evidence Modeling of protein sequence and biophysical properties (such as structural, functional, and spatial information, amino acid conservation, physicochemical variation, residue mobility, and thermodynamic stability) indicates that this missense variant is not expected to disrupt COL11A2 protein function with a negative predictive value of 95%. In summary, the available evidence is currently insufficient to determine the role of this variant in disease. Therefore, it has been classified as a Variant of Uncertain Significance.

PreventionGenetics, part of Exact Sciences
Classification: Uncertain significance for COL11A2-related condition. Last evaluated: 2023-09-06. Review status: criteria provided, single submitter. Criteria: ACMG Guidelines, 2015. Collection method: clinical testing. Allele origin: germline.
Comment: The COL11A2 c.419G>A variant is predicted to result in the amino acid substitution p.Arg140Gln. To our knowledge, this variant has not been reported in the literature or in a large population database, indicating this variant is rare. At this time, the clinical significance of this variant is uncertain due to the absence of conclusive functional and genetic evidence.